The following is an entry in ClinVar:

NM_052947.4(ALPK2):c.1217A>C (p.Gln406Pro)

Genes: ALPK2 (alpha kinase 2; minus strand), LOC114803473 (ALPK2 eExon liver enhancer; plus strand). Cytogenetic location: 18q21.31.
Variant type: single nucleotide variant.
Coding change: c.1217A>C on transcript NM_052947.4 (MANE Select); coding-DNA position 1217, A replaced by C.
Protein change: p.Gln406Pro; replaces glutamine 406 with proline.
Molecular consequence: missense variant.
Genome position (GRCh38, 1-based): chr18:58,579,559, T>G on the plus strand (A>C on the coding strand, the complement: ALPK2 is on the minus strand). VCF-style: chr18-58579559-T-G. GRCh37 (hg19) VCF-style: chr18-56246791-T-G.
Other names: short protein forms Q406P.
Identifiers: ClinVar variation 1751883 (VCV001751883.2), dbSNP rs2518899303, ClinGen allele CA402564066.

ClinVar aggregate classification (germline): Uncertain significance (1 of 4 stars; one submission).

Submission:

Ambry Genetics
Classification: Uncertain significance. Last evaluated: 2022-03-01. Review status: criteria provided, single submitter. Criteria: Ambry Variant Classification Scheme 2023. Collection method: clinical testing. Allele origin: germline.
Comment: The p.Q406P variant (also known as c.1217A>C), located in coding exon 3 of the ALPK2 gene, results from an A to C substitution at nucleotide position 1217. The glutamine at codon 406 is replaced by proline, an amino acid with similar properties. This amino acid position is conserved. In addition, this alteration is predicted to be tolerated by in silico analysis. Since supporting evidence is limited at this time, the clinical significance of this alteration remains unclear.